The following is an entry in ClinVar:

NM_000092.5(COL4A4):c.431C>T (p.Ser144Leu)

Gene: COL4A4 (collagen type IV alpha 4 chain; minus strand). Cytogenetic location: 2q36.3.
Variant type: single nucleotide variant.
Coding change: c.431C>T on transcript NM_000092.5 (MANE Select); coding-DNA position 431, C replaced by T.
Protein change: p.Ser144Leu; replaces serine 144 with leucine.
Molecular consequence: missense variant.
Genome position (GRCh38, 1-based): chr2:227,118,703, G>A on the plus strand (C>T on the coding strand, the complement: COL4A4 is on the minus strand). VCF-style: chr2-227118703-G-A. GRCh37 (hg19) VCF-style: chr2-227983419-G-A.
Other names: short protein forms S144L.
Identifiers: ClinVar variation 1342110 (VCV001342110.7), dbSNP rs368884003, ClinGen allele CA2145666.

ClinVar aggregate classification (germline): Conflicting classifications of pathogenicity. Review status: criteria provided, conflicting classifications (1 of 4 stars). 3 submissions from 3 submitters: Uncertain significance (2); Benign (1). Last evaluated 2026-01-19.

Conditions:
Autosomal recessive Alport syndrome (ATS2). Also called: Alport syndrome type 2; COL4A3-Related Nephropathy; ALPORT SYNDROME 2, AUTOSOMAL RECESSIVE; COL4A4 Alport Syndrome and Thin Basement Membrane Nephropathy. Identifiers: Orphanet 63, Orphanet 88919, MedGen C4746745, MONDO:0008762, OMIM 203780.
Benign familial hematuria. Also called: thin basement membrane disease. Identifiers: MedGen C0241908, MONDO:0957317.

Allele frequency attached by ClinVar (database versions not stated): gnomAD exomes 0.00006; ExAC 0.00007; ESP Exome Variant Server 0.00008; gnomAD 0.00015 and 0.00019; TOPMed 0.00017.
gnomAD v4.1: 45 of 1,613,892 alleles (0.0028%); highest among the groups gnomAD compares: African/African-American, 0.048%; no homozygotes.

Submissions (3):

Labcorp Genetics (formerly Invitae), Labcorp
Classification: Benign. Last evaluated: 2026-01-19. Review status: criteria provided, single submitter. Criteria: Invitae Variant Classification Sherloc (09022015). Collection method: clinical testing. Allele origin: germline.

Fulgent Genetics
Classification: Uncertain significance for Hematuria, benign familial, 1; Autosomal recessive Alport syndrome. Last evaluated: 2022-02-17. Review status: criteria provided, single submitter. Criteria: ACMG Guidelines, 2015. Collection method: clinical testing. Allele origin: unknown.

GeneDx
Classification: Uncertain significance. Last evaluated: 2021-08-17. Review status: criteria provided, single submitter. Criteria: GeneDx Variant Classification Process June 2021. Collection method: clinical testing. Allele origin: germline. Affected: yes.
Comment: In silico analysis supports that this missense variant has a deleterious effect on protein structure/function; Occurs in the triple helical domain at the X position in the canonical Gly-X-Y repeat; although this variant may have an effect on normal protein folding and function, missense substitution at the X position is not a common mechanism of disease; Has not been previously published as pathogenic or benign to our knowledge